The following is an entry in ClinVar:

NM_000551.4(VHL):c.237C>T (p.Arg79=)

Gene: VHL (von Hippel-Lindau tumor suppressor; plus strand). Cytogenetic location: 3p25.3.
Variant type: single nucleotide variant.
Coding change: c.237C>T on transcript NM_000551.4 (MANE Select); coding-DNA position 237, C replaced by T.
Protein change: p.Arg79=; no amino-acid change (arginine 79 retained).
Molecular consequence: synonymous variant.
Genome position (GRCh38, 1-based): chr3:10,142,084, C>T. VCF-style: chr3-10142084-C-T. GRCh37 (hg19) VCF-style: chr3-10183768-C-T.
Other names: c.237C>T, p.Arg79= (NM_001354723.2, NM_198156.3).
Identifiers: ClinVar variation 1147379 (VCV001147379.10), dbSNP rs760899424, ClinGen allele CA039906.

ClinVar aggregate classification (germline): Benign/Likely benign. Review status: criteria provided, multiple submitters, no conflicts (2 of 4 stars). 3 submissions from 3 submitters: Benign (2); Likely benign (1). Last evaluated 2025-06-10.

Conditions:
Chuvash polycythemia. Also called: POLYCYTHEMIA, VHL-DEPENDENT. Identifiers: Orphanet 238557, MedGen C1837915, MONDO:0009892, OMIM 263400.
Von Hippel-Lindau syndrome (VHLS). Also called: von Hippel–Lindau syndrome; Von Hippel-Lindau; VHL syndrome. Identifiers: Orphanet 892, MedGen C0019562, MONDO:0008667, OMIM 193300. Disease mechanism: loss of function.
Hereditary cancer-predisposing syndrome. Also called: Hereditary neoplastic syndrome; Tumor predisposition; Neoplastic Syndromes, Hereditary; Hereditary Cancer Syndrome. Identifiers: Orphanet 140162, MedGen C0027672, MeSH D009386, MONDO:0015356.

Allele frequency attached by ClinVar (database versions not stated): ExAC 0.00001; gnomAD exomes 0.00001 and 0.00002.
gnomAD v4.1: 8 of 1,605,846 alleles (0.0005%); highest among the groups gnomAD compares: South Asian, 0.0088%; no homozygotes.

Submissions (3):

Myriad Genetics, Inc.
Classification: Benign for Von Hippel-Lindau syndrome. Last evaluated: 2025-06-10. Review status: criteria provided, single submitter. Criteria: Myriad Autosomal Dominant, Autosomal Recessive and X-Linked Classification Criteria (2023). Collection method: clinical testing. Allele origin: unknown.
Comment: This variant is considered benign. This variant is a silent/synonymous amino acid change and it is not expected to impact splicing.

Labcorp Genetics (formerly Invitae), Labcorp
Classification: Likely benign for Von Hippel-Lindau syndrome; Chuvash polycythemia. Last evaluated: 2024-07-22. Review status: criteria provided, single submitter. Criteria: Invitae Variant Classification Sherloc (09022015). Collection method: clinical testing. Allele origin: germline.

Ambry Genetics
Classification: Benign for Hereditary cancer-predisposing syndrome. Last evaluated: 2021-12-14. Review status: criteria provided, single submitter. Criteria: Ambry Variant Classification Scheme 2023. Collection method: clinical testing. Allele origin: germline.